The following is an entry in ClinVar:

ClinVar aggregate classification (germline): Uncertain significance (1 of 4 stars; one submission).

Allele frequency attached by ClinVar (database versions not stated): gnomAD exomes 0.00001; TOPMed 0.00001.
gnomAD v4.1: 8 of 1,604,226 alleles (0.0005%); highest among the groups gnomAD compares: Non-Finnish European, 0.00068%; no homozygotes.

Submission:

Labcorp Genetics (formerly Invitae), Labcorp
Classification: Uncertain significance. Last evaluated: 2022-06-20. Review status: criteria provided, single submitter. Criteria: Invitae Variant Classification Sherloc (09022015). Collection method: clinical testing. Allele origin: germline.
Comment: In summary, the available evidence is currently insufficient to determine the role of this variant in disease. Therefore, it has been classified as a Variant of Uncertain Significance. Algorithms developed to predict the effect of sequence changes on RNA splicing suggest that this variant may create or strengthen a splice site. Algorithms developed to predict the effect of missense changes on protein structure and function (SIFT, PolyPhen-2, Align-GVGD) all suggest that this variant is likely to be tolerated. This variant has not been reported in the literature in individuals affected with CARMIL2-related conditions. This variant is present in population databases (no rsID available, gnomAD 0.002%). This sequence change replaces cysteine, which is neutral and slightly polar, with glycine, which is neutral and non-polar, at codon 10 of the CARMIL2 protein (p.Cys10Gly).

NM_001013838.3(CARMIL2):c.28T>G (p.Cys10Gly)

Gene: CARMIL2 (capping protein regulator and myosin 1 linker 2; plus strand). Cytogenetic location: 16q22.1.
Variant type: single nucleotide variant.
Coding change: c.28T>G on transcript NM_001013838.3 (MANE Select); coding-DNA position 28, T replaced by G.
Protein change: p.Cys10Gly; replaces cysteine 10 with glycine.
Molecular consequence: missense variant.
Genome position (GRCh38, 1-based): chr16:67,645,274, T>G. VCF-style: chr16-67645274-T-G. GRCh37 (hg19) VCF-style: chr16-67679177-T-G.
Other names: c.28T>G, p.Cys10Gly (NM_001317026.3); short protein forms C10G.
Identifiers: ClinVar variation 1398343 (VCV001398343.8), dbSNP rs1169123142, ClinGen allele CA396328394.